The following is an entry in ClinVar:

ClinVar aggregate classification (germline): Uncertain significance (1 of 4 stars; one submission).

Conditions:
Colorectal cancer, hereditary nonpolyposis, type 7. Identifiers: Orphanet 144, MedGen C1858380, MONDO:0013725, OMIM 614385.

Submission:

Labcorp Genetics (formerly Invitae), Labcorp
Classification: Uncertain significance for Colorectal cancer, hereditary nonpolyposis, type 7. Last evaluated: 2025-12-08. Review status: criteria provided, single submitter. Criteria: Invitae Variant Classification Sherloc (09022015). Collection method: clinical testing. Allele origin: germline.
Comment: This sequence change creates a premature translational stop signal (p.Ser620Glnfs*39) in the MLH3 gene. It is expected to result in an absent or disrupted protein product. However, the current clinical and genetic evidence is not sufficient to establish whether loss-of-function variants in MLH3 cause disease. This variant is not present in population databases (gnomAD no frequency). This variant has not been reported in the literature in individuals affected with MLH3-related conditions. In summary, the available evidence is currently insufficient to determine the role of this variant in disease. Therefore, it has been classified as a Variant of Uncertain Significance.

NM_001040108.2(MLH3):c.1858del (p.Ser620fs)

Gene: MLH3 (mutL homolog 3; minus strand). Cytogenetic location: 14q24.3.
Variant type: Deletion.
Coding change: c.1858del on transcript NM_001040108.2 (MANE Select); coding-DNA position 1858, one base deleted (T; older notation c.1858delT).
Protein change: p.Ser620fs; shifts the reading frame from serine 620.
Molecular consequence: frameshift variant.
Genome position (GRCh38, 1-based): chr14:75,047,798, A deleted on the plus strand (T on the coding strand, the reverse complement: MLH3 is on the minus strand). VCF-style (leftmost placement, unchanged base first): chr14-75047797-GA-G. GRCh37 (hg19) VCF-style: chr14-75514500-GA-G.
Other names: c.1858del, p.Ser620fs (NM_014381.3); short protein forms S620fs.
Identifiers: ClinVar variation 4779307 (VCV004779307.1).
Genomic context (GRCh38, chr14:75,047,797, plus strand): 5'-TCTTGGGCACGTGTGGGACCAGGTCTAACATAATTTTTAAATGAATGTTCTGTTTCAGTT[GA>G]TTTAGTTTTTTCATTTTGTACTACATGAGTTATAAAGCCAGTGGAACATAATTTAACTCG-3'